The following is an entry in ClinVar:

ClinVar aggregate classification (germline): Pathogenic (1 of 4 stars; one submission).

Submission:

Labcorp Genetics (formerly Invitae), Labcorp
Classification: Pathogenic. Last evaluated: 2023-12-04. Review status: criteria provided, single submitter. Criteria: Invitae Variant Classification Sherloc (09022015). Collection method: clinical testing. Allele origin: germline.
Comment: This sequence change creates a premature translational stop signal (p.Asn863Lysfs*117) in the MYO15A gene. It is expected to result in an absent or disrupted protein product. Loss-of-function variants in MYO15A are known to be pathogenic (PMID: 17546645). This variant is not present in population databases (gnomAD no frequency). This variant has not been reported in the literature in individuals affected with MYO15A-related conditions. For these reasons, this variant has been classified as Pathogenic.

Literature cited by the submitters: PubMed 17546645.

NM_016239.4(MYO15A):c.2588dup (p.Asn863fs)

Gene: MYO15A (myosin XVA; plus strand). Cytogenetic location: 17p11.2.
Variant type: Duplication.
Coding change: c.2588dup on transcript NM_016239.4 (MANE Select); coding-DNA position 2588, one base duplicated (A; older notation c.2588dupA).
Protein change: p.Asn863fs; shifts the reading frame from asparagine 863.
Molecular consequence: frameshift variant.
Genome position (GRCh38, 1-based): chr17:18,121,388, A duplicated; the last of 2 consecutive A bases (chr17:18,121,387-18,121,388); duplicating either gives the same sequence. VCF-style (leftmost placement, unchanged base first): chr17-18121386-G-GA. GRCh37 (hg19) VCF-style: chr17-18024700-G-GA.
Other names: short protein forms N863fs.
Identifiers: ClinVar variation 2700809 (VCV002700809.3), dbSNP rs2545188753, ClinGen allele CA2576189601.